The following is an entry in ClinVar:

NM_004415.4(DSP):c.99C>T (p.Gly33=)

Genes: DSP (desmoplakin; plus strand), DSP-AS1 (DSP antisense RNA 1; minus strand). Cytogenetic location: 6p24.3.
Variant type: single nucleotide variant.
Coding change: c.99C>T on transcript NM_004415.4 (MANE Select); coding-DNA position 99, C replaced by T.
Protein change: p.Gly33=; no amino-acid change (glycine 33 retained).
Molecular consequence: synonymous variant.
Genome position (GRCh38, 1-based): chr6:7,542,014, C>T. VCF-style: chr6-7542014-C-T. GRCh37 (hg19) VCF-style: chr6-7542247-C-T.
Other names: c.99C>T, p.Gly33= (NM_001008844.3, NM_001319034.2); c.99C>T (NM_004415.3).
Identifiers: ClinVar variation 925222 (VCV000925222.17), dbSNP rs755898551, ClinGen allele CA053468.

ClinVar aggregate classification (germline): Likely benign. Review status: criteria provided, multiple submitters, no conflicts (2 of 4 stars). 6 submissions from 6 submitters: Likely benign (5). 1 of the submissions does not count toward it. Last evaluated 2026-01-31.

Conditions:
Cardiovascular phenotype. Identifiers: MedGen CN230736.
Arrhythmogenic cardiomyopathy with wooly hair and keratoderma. Also called: Carvajal syndrome; PALMOPLANTAR KERATODERMA WITH LEFT VENTRICULAR CARDIOMYOPATHY AND WOOLLY HAIR; Dilated cardiomyopathy with woolly hair and keratoderma; Arrhythmogenic cardiomyopathy with woolly hair and keratoderma. Identifiers: Orphanet 65282, MedGen C1854063, MONDO:0011581, OMIM 605676.
Arrhythmogenic right ventricular dysplasia 8 (ARVD8). Also called: Arrhythmogenic Right Ventricular Dysplasia/Cardiomyopathy 8; ARRHYTHMOGENIC RIGHT VENTRICULAR DYSPLASIA, FAMILIAL, 8; ARRHYTHMOGENIC RIGHT VENTRICULAR CARDIOMYOPATHY 8. Identifiers: MedGen C1843896, MONDO:0011831, OMIM 607450.
DSP-related disorder. Also called: DSP-related condition; DSP-related disorders.
Cardiomyopathy (CMYO). Also called: Cardiomyopathies. Identifiers: Orphanet 167848, MedGen C0878544, MONDO:0004994, HP:0001638. Inheritance: Various modes of inheritance.

Allele frequency attached by ClinVar (database versions not stated): TOPMed 0.00001; gnomAD exomes 0.00004; ExAC 0.00005.
gnomAD v4.1: 51 of 1,587,948 alleles (0.0032%); highest among the groups gnomAD compares: Non-Finnish European, 0.0043%; no homozygotes.

Submissions (6):

Labcorp Genetics (formerly Invitae), Labcorp
Classification: Likely benign for Arrhythmogenic cardiomyopathy with wooly hair and keratoderma; Arrhythmogenic right ventricular dysplasia 8. Last evaluated: 2026-01-31. Review status: criteria provided, single submitter. Criteria: Invitae Variant Classification Sherloc (09022015). Collection method: clinical testing. Allele origin: germline.

All of Us Research Program, National Institutes of Health
Classification: Likely benign for Arrhythmogenic cardiomyopathy with wooly hair and keratoderma. Last evaluated: 2023-12-01. Review status: criteria provided, single submitter. Criteria: ACMG Guidelines, 2015. Collection method: clinical testing. Allele origin: germline. Inheritance: Autosomal dominant inheritance. Observed: 8 variant alleles, 8 heterozygotes.
Comment: This study involves interpretation of variants in research participants for the purpose of population health screening. Participant phenotype was not available at the time of variant classification. Additional details can be found in publication PMID: 35346344, PMCID: PMC8962531

Blueprint Genetics
Classification: Likely benign. Last evaluated: 2022-07-12. Review status: criteria provided, single submitter. Criteria: ACMG Guidelines, 2015. Collection method: clinical testing. Allele origin: germline.

Color Diagnostics, LLC DBA Color Health
Classification: Likely benign for Cardiomyopathy. Last evaluated: 2019-07-15. Review status: criteria provided, single submitter. Criteria: ACMG Guidelines, 2015. Collection method: clinical testing. Allele origin: germline.

Ambry Genetics
Classification: Likely benign for Cardiovascular phenotype. Last evaluated: 2018-05-31. Review status: criteria provided, single submitter. Criteria: Ambry Variant Classification Scheme 2023. Collection method: clinical testing. Allele origin: germline.

PreventionGenetics, part of Exact Sciences
Classification: Likely benign for DSP-related condition. Last evaluated: 2020-10-12. Review status: no assertion criteria provided. Collection method: clinical testing. Allele origin: germline. Not counted in ClinVar's aggregate classification.
Comment: This variant is classified as likely benign based on ACMG/AMP sequence variant interpretation guidelines (Richards et al. 2015 PMID: 25741868, with internal and published modifications).